The following is an entry in ClinVar:

NM_005334.3(HCFC1):c.2213C>T (p.Thr738Ile)

Gene: HCFC1 (host cell factor C1; minus strand). Cytogenetic location: Xq28.
Variant type: single nucleotide variant.
Coding change: c.2213C>T on transcript NM_005334.3 (MANE Select); coding-DNA position 2213, C replaced by T.
Protein change: p.Thr738Ile; replaces threonine 738 with isoleucine.
Molecular consequence: missense variant.
Genome position (GRCh38, 1-based): chrX:153,957,454, G>A on the plus strand (C>T on the coding strand, the complement: HCFC1 is on the minus strand). VCF-style: chrX-153957454-G-A. GRCh37 (hg19) VCF-style: chrX-153222905-G-A.
Other names: short protein forms T738I.
Identifiers: ClinVar variation 1304290 (VCV001304290.2), dbSNP rs2148581588, ClinGen allele CA415131746.

ClinVar aggregate classification (germline): Uncertain significance (1 of 4 stars; one submission).

Submission:

GeneDx
Classification: Uncertain significance. Last evaluated: 2021-03-11. Review status: criteria provided, single submitter. Criteria: GeneDx Variant Classification Process June 2021. Collection method: clinical testing. Allele origin: germline. Affected: yes.
Comment: Not observed in large population cohorts (Lek et al., 2016); In silico analysis supports that this missense variant has a deleterious effect on protein structure/function; Has not been previously published as pathogenic or benign to our knowledge